The following is an entry in ClinVar:

ClinVar aggregate classification (germline): Likely pathogenic (1 of 4 stars; one submission).

Conditions:
Dilated cardiomyopathy 1G (CMD1G). Identifiers: Orphanet 154, MedGen C1858763, MONDO:0011400, OMIM 604145.
Autosomal recessive limb-girdle muscular dystrophy type 2J (LGMDR10). Also called: Limb-girdle muscular dystrophy, type 2J; MUSCULAR DYSTROPHY, LIMB-GIRDLE, AUTOSOMAL RECESSIVE 10. Identifiers: Orphanet 140922, MedGen C1837342, MONDO:0012127, OMIM 608807.

Submission:

Labcorp Genetics (formerly Invitae), Labcorp
Classification: Likely pathogenic for Dilated cardiomyopathy 1G; Autosomal recessive limb-girdle muscular dystrophy type 2J. Last evaluated: 2025-03-24. Review status: criteria provided, single submitter. Criteria: Invitae Variant Classification Sherloc (09022015). Collection method: clinical testing. Allele origin: germline.
Comment: This sequence change creates a premature translational stop signal (p.Arg26925Serfs*4) in the TTN gene. While this is not anticipated to result in nonsense mediated decay, it is expected to create a truncated TTN protein. This variant is not present in population databases (gnomAD no frequency). This variant has not been reported in the literature in individuals affected with TTN-related conditions. ClinVar contains an entry for this variant (Variation ID: 2922398). This variant is located in the A band of TTN (PMID: 25589632). Truncating variants in this region are significantly overrepresented in patients affected with dilated cardiomyopathy (PMID: 25589632). Truncating variants in this region have also been reported in individuals affected with autosomal recessive centronuclear myopathy (PMID: 23975875). In summary, the currently available evidence indicates that the variant is pathogenic, but additional data are needed to prove that conclusively. Therefore, this variant has been classified as Likely Pathogenic.

Literature cited by the submitters: PubMed 25589632; PubMed 23975875.

NM_001267550.2(TTN):c.80772_80773del (p.Arg26925fs)

Genes: TTN (titin; minus strand), TTN-AS1 (TTN antisense RNA 1; plus strand). Cytogenetic location: 2q31.2.
Variant type: Deletion.
Coding change: c.80772_80773del on transcript NM_001267550.2 (MANE Select); coding-DNA positions 80772 to 80773, 2 bases deleted (AA; older notation c.80772_80773delAA).
Protein change: p.Arg26925fs; shifts the reading frame from arginine 26925.
Molecular consequence: frameshift variant.
Genome position (GRCh38, 1-based): chr2:178,565,359-178,565,360, TT deleted on the plus strand (AA on the coding strand, the reverse complement: TTN is on the minus strand). VCF-style (leftmost placement, unchanged base first): chr2-178565358-CTT-C. GRCh37 (hg19) VCF-style: chr2-179430085-CTT-C.
Other names: c.75849_75850del, p.Arg25284fs (NM_001256850.1); c.53577_53578del, p.Arg17860fs (NM_003319.4); c.73068_73069del, p.Arg24357fs (NM_133378.4); c.53952_53953del, p.Arg17985fs (NM_133432.3); c.54153_54154del, p.Arg18052fs (NM_133437.4); short protein forms R17985fs, R26925fs, R25284fs, R17860fs, R18052fs, R24357fs.
Identifiers: ClinVar variation 2922398 (VCV002922398.3), dbSNP rs2468244789, ClinGen allele CA2740095916.